The following is an entry in ClinVar:

NM_002206.3(ITGA7):c.2625G>A (p.Leu875=)

Gene: ITGA7 (integrin subunit alpha 7; minus strand). Cytogenetic location: 12q13.2.
Variant type: single nucleotide variant.
Coding change: c.2625G>A on transcript NM_002206.3 (MANE Select); coding-DNA position 2625, G replaced by A.
Protein change: p.Leu875=; no amino-acid change (leucine 875 retained).
Molecular consequence: synonymous variant.
Genome position (GRCh38, 1-based): chr12:55,693,228, C>T on the plus strand (G>A on the coding strand, the complement: ITGA7 is on the minus strand). VCF-style: chr12-55693228-C-T. GRCh37 (hg19) VCF-style: chr12-56087012-C-T.
Other names: c.2637G>A, p.Leu879= (NM_001144996.2); c.2346G>A, p.Leu782= (NM_001144997.2); c.2298G>A, p.Leu766= (NM_001367993.1); c.1281G>A, p.Leu427= (NM_001367994.1); c.2607G>A, p.Leu869= (NM_001374465.1); c.2757G>A, p.Leu919= (NM_001410977.1); c.2619G>A, p.Leu873= (NM_001414029.1); c.2550G>A, p.Leu850= (NM_001414030.1); and 5 more.
Identifiers: ClinVar variation 511065 (VCV000511065.9), dbSNP rs370716816, ClinGen allele CA6615523.
Genomic context (GRCh38, chr12:55,693,228, plus strand): 5'-GCAAAGCCCTTTCTGCCCAGGCCCCTGCCCGCCCTCCAGCTCAACCTGCATTGGGTACAG[C>T]AACCACTTCCCATTGGCAATCTCATGAGGCCACATGATGTTGAGGAAGGCAGAGCCCAGG-3'
Protein context (NP_002197.2, residues 865-885): WPHEIANGKW[Leu875=]LYPMQVELEG

ClinVar aggregate classification (germline): Likely benign. Review status: criteria provided, multiple submitters, no conflicts (2 of 4 stars). 2 submissions from 2 submitters: Likely benign (2). Last evaluated 2025-08-19.

Conditions:
Congenital muscular dystrophy due to integrin alpha-7 deficiency. Also called: MYOPATHY, CONGENITAL, DUE TO INTEGRIN ALPHA-7 DEFICIENCY; Congenital muscular dystrophy with integrin alpha-7 deficiency; Muscular dystrophy, congenital, due to ITGA7 deficiency. Identifiers: Orphanet 34520, MedGen C2750786, MONDO:0013177, OMIM 613204.

Allele frequency attached by ClinVar (database versions not stated): ExAC 0.00004; gnomAD exomes 0.00004; gnomAD 0.00005 and 0.00006; TOPMed 0.00005; ESP Exome Variant Server 0.00008.
gnomAD v4.1: 210 of 1,614,008 alleles (0.013%); highest among the groups gnomAD compares: Non-Finnish European, 0.018%; no homozygotes.

Submissions (2):

Labcorp Genetics (formerly Invitae), Labcorp
Classification: Likely benign for Congenital muscular dystrophy due to integrin alpha-7 deficiency. Last evaluated: 2025-08-19. Review status: criteria provided, single submitter. Criteria: Invitae Variant Classification Sherloc (09022015). Collection method: clinical testing. Allele origin: germline.

GeneDx
Classification: Likely benign. Last evaluated: 2017-07-24. Review status: criteria provided, single submitter. Criteria: GeneDx Variant Classification (06012015). Collection method: clinical testing. Allele origin: germline. Affected: yes.
Comment: This variant is considered likely benign or benign based on one or more of the following criteria: it is a conservative change, it occurs at a poorly conserved position in the protein, it is predicted to be benign by multiple in silico algorithms, and/or has population frequency not consistent with disease.